The following is an entry in ClinVar:

NM_024120.5(NDUFAF5):c.418G>C (p.Ala140Pro)

Gene: NDUFAF5 (NADH:ubiquinone oxidoreductase complex assembly factor 5; plus strand). Cytogenetic location: 20p12.1.
Variant type: single nucleotide variant.
Coding change: c.418G>C on transcript NM_024120.5 (MANE Select); coding-DNA position 418, G replaced by C.
Protein change: p.Ala140Pro; replaces alanine 140 with proline.
Molecular consequence: missense variant. On other transcripts: 5 prime UTR variant (2), non-coding transcript variant (5), intron variant (2).
Genome position (GRCh38, 1-based): chr20:13,794,880, G>C. VCF-style: chr20-13794880-G-C. GRCh37 (hg19) VCF-style: chr20-13775526-G-C.
Other names: c.-144G>C (NM_001352406.2, NM_001352407.2); c.418G>C, p.Ala140Pro (NM_001352408.2); c.395+1653G>C (NM_001039375.3); c.8+1653G>C (NM_001352403.2); short protein forms A140P.
Identifiers: ClinVar variation 2578266 (VCV002578266.1), dbSNP rs373962879, ClinGen allele CA9767761.

ClinVar aggregate classification (germline): Uncertain significance (1 of 4 stars; one submission).

Allele frequency attached by ClinVar (database versions not stated): TOPMed 0.00001; ExAC 0.00003; gnomAD 0.00003; gnomAD exomes 0.00003; ESP Exome Variant Server 0.00008.
gnomAD v4.1: 54 of 1,613,694 alleles (0.0033%); highest among the groups gnomAD compares: African/African-American, 0.0067%; no homozygotes.

Submission:

GeneDx
Classification: Uncertain significance. Last evaluated: 2023-03-01. Review status: criteria provided, single submitter. Criteria: GeneDx Variant Classification Process June 2021. Collection method: clinical testing. Allele origin: germline. Affected: yes.
Comment: Not observed at significant frequency in large population cohorts (gnomAD); In silico analysis supports that this missense variant has a deleterious effect on protein structure/function; Has not been previously published as pathogenic or benign to our knowledge